The following is an entry in ClinVar:

NM_017514.5(PLXNA3):c.4027G>A (p.Val1343Met)

Gene: PLXNA3 (plexin A3; plus strand). Cytogenetic location: Xq28.
Variant type: single nucleotide variant.
Coding change: c.4027G>A on transcript NM_017514.5 (MANE Select); coding-DNA position 4027, G replaced by A.
Protein change: p.Val1343Met; replaces valine 1343 with methionine.
Molecular consequence: missense variant.
Genome position (GRCh38, 1-based): chrX:154,468,366, G>A. VCF-style: chrX-154468366-G-A. GRCh37 (hg19) VCF-style: chrX-153696709-G-A.
Other names: short protein forms V1343M.
Identifiers: ClinVar variation 2609324 (VCV002609324.26), dbSNP rs1209455991, ClinGen allele CA415247054.
Genomic context (GRCh38, chrX:154,468,366, plus strand): 5'-CCACCCAACGTGGAGAAGGCCCTGCGCCTCTTCGGGCAGCTGCTGCACAGCCGCGCGTTC[G>A]TGCTTACCTTCATCCACACGCTGGAGGCCCAGAGCAGCTTCTCCATGCGCGACCGCGGCA-3'
Protein context (NP_059984.3, residues 1333-1353): FGQLLHSRAF[Val1343Met]LTFIHTLEAQ

ClinVar aggregate classification (germline): Conflicting classifications of pathogenicity. Review status: criteria provided, conflicting classifications (1 of 4 stars). 2 submissions from 2 submitters: Uncertain significance (1); Likely benign (1). Last evaluated 2023-06-30.

Allele frequency attached by ClinVar (database versions not stated): gnomAD exomes 0.00001; TOPMed 0.00001.
gnomAD v4.1: 7 of 1,209,170 alleles (0.00058%); highest among the groups gnomAD compares: South Asian, 0.0035%; no homozygotes.

Submissions (2):

Ambry Genetics
Classification: Uncertain significance. Last evaluated: 2023-06-30. Review status: criteria provided, single submitter. Criteria: Ambry Variant Classification Scheme 2023. Collection method: clinical testing. Allele origin: germline.

CeGaT Center for Human Genetics Tuebingen
Classification: Likely benign. Last evaluated: 2023-04-01. Review status: criteria provided, single submitter. Criteria: CeGaT Center For Human Genetics Tuebingen Variant Classification Criteria Version 2. Collection method: clinical testing. Allele origin: germline. Affected: yes. Observed: 1 variant allele.
Comment: PLXNA3: BS2